The following is an entry in ClinVar:

ClinVar aggregate classification (germline): Pathogenic/Likely pathogenic. Review status: criteria provided, multiple submitters, no conflicts (2 of 4 stars). 2 submissions from 2 submitters: Pathogenic (1); Likely pathogenic (1). Last evaluated 2025-12-17.

Conditions:
Cardiovascular phenotype. Identifiers: MedGen CN230736.
Becker muscular dystrophy, Cardiomyopathy, Duchenne muscular dystrophy, Dystrophin deficiency.

Submissions (2):

Natera, Inc.
Classification: Likely pathogenic for Becker muscular dystrophy, Cardiomyopathy, Duchenne muscular dystrophy, Dystrophin deficiency. Last evaluated: 2025-12-17. Review status: criteria provided, single submitter. Criteria: Natera Variant Classification Schema (03/2026). Collection method: clinical testing. Allele origin: germline.
Comment: The c.10157_10158del variant in DMD is a frameshift variant predicted to shift the reading frame beginning at codon 3386 and leads to a stop codon 46 codons downstream. This variant is expected to result in nonsense mediated decay, truncation, or a dysfunctional protein product. This variant is rare in the general population with a frequency below the threshold expected for the associated phenotype(s). Given the available evidence, this variant is classified as Likely Pathogenic.

Ambry Genetics
Classification: Pathogenic for Cardiovascular phenotype. Last evaluated: 2025-09-24. Review status: criteria provided, single submitter. Criteria: Ambry Variant Classification Scheme 2023. Collection method: clinical testing. Allele origin: germline.
Comment: The c.10157_10158delTT (p.F3386Cfs*46) alteration, located in exon 70 (coding exon 70) of the DMD gene, consists of a deletion of 2 nucleotides from position 10157 to 10158, causing a translational frameshift with a predicted alternate stop codon after 46 amino acids. This alteration is expected to result in loss of function by premature protein truncation or nonsense-mediated mRNA decay. This variant was not reported in population-based cohorts in the Genome Aggregation Database (gnomAD). Based on the available evidence, this alteration is classified as pathogenic.

NM_004006.3(DMD):c.10157_10158del (p.Phe3386fs)

Gene: DMD (dystrophin; minus strand). Cytogenetic location: Xp21.2.
Variant type: Deletion.
Coding change: c.10157_10158del on transcript NM_004006.3 (MANE Select); coding-DNA positions 10157 to 10158, 2 bases deleted (TT; older notation c.10157_10158delTT).
Protein change: p.Phe3386fs; shifts the reading frame from phenylalanine 3386.
Molecular consequence: frameshift variant.
Genome position (GRCh38, 1-based): chrX:31,178,734-31,178,735, AA deleted on the plus strand (TT on the coding strand, the reverse complement: DMD is on the minus strand); deleting any 2 consecutive bases within chrX:31,178,734-31,178,737 gives the same sequence; the c. name uses the placement nearest the transcript's 3' end. VCF-style (leftmost placement, unchanged base first): chrX-31178733-CAA-C. GRCh37 (hg19) VCF-style: chrX-31196850-CAA-C.
Other names: c.10157_10158del (NM_004006.2); c.10133_10134del, p.Phe3378fs (NM_000109.4); c.10155_10156delTT, p.Phe3386Cysfs (NM_004006.2); c.10145_10146del, p.Phe3382fs (NM_004009.3); c.9788_9789del, p.Phe3263fs (NM_004010.3); c.6134_6135del, p.Phe2045fs (NM_004011.4); c.6125_6126del, p.Phe2042fs (NM_004012.4); c.2777_2778del, p.Phe926fs (NM_004013.3, NM_004020.4, NM_004021.3 and 2 more transcripts); and 3 more; short protein forms F2045fs, F3382fs, F3386fs, F318fs, F926fs, F3263fs, F3378fs, F2042fs.
Identifiers: ClinVar variation 4613984 (VCV004613984.2).
Genomic context (GRCh38, chrX:31,178,733, plus strand): 5'-CCATGTTGTCCCCCTCTAAGACAGTCTGCACTGGCAGGTAGCCCATTCGGGGATGCTTCG[CAA>C]AATACCTTTTGGTTCGAAATTTGTTTTTTAGTACCTTGGCAAAGTCTCGAACATCTTCTC-3'